The following is an entry in ClinVar:

NM_006734.4(HIVEP2):c.5562dup (p.Cys1855fs)

Gene: HIVEP2 (HIVEP zinc finger 2; minus strand). Cytogenetic location: 6q24.2.
Variant type: Duplication.
Coding change: c.5562dup on transcript NM_006734.4 (MANE Select); coding-DNA position 5562, one base duplicated (A; older notation c.5562dupA).
Protein change: p.Cys1855fs; shifts the reading frame from cysteine 1855.
Molecular consequence: frameshift variant.
Genome position (GRCh38, 1-based): chr6:142,761,522, T duplicated on the plus strand (A on the coding strand, the reverse complement: HIVEP2 is on the minus strand); the first of 6 consecutive T bases (chr6:142,761,522-142,761,527); duplicating any one gives the same sequence. VCF-style (leftmost placement, unchanged base first): chr6-142761521-A-AT. GRCh37 (hg19) VCF-style: chr6-143082658-A-AT.
Other names: short protein forms C1855fs.
Identifiers: ClinVar variation 4056686 (VCV004056686.1).

ClinVar aggregate classification (germline): Likely pathogenic (1 of 4 stars; one submission).

Conditions:
Intellectual developmental disorder, autosomal dominant 43. Also called: Intellectual disability, autosomal dominant 43. Identifiers: MedGen C4707429, MONDO:0014858, OMIM 616977.

Submission:

Laboratorio de Genetica e Diagnostico Molecular, Hospital Israelita Albert Einstein
Classification: Likely pathogenic for Intellectual developmental disorder, autosomal dominant 43. Last evaluated: 2025-04-11. Review status: criteria provided, single submitter. Criteria: ACMG Guidelines, 2015. Collection method: clinical testing. Allele origin: germline. Affected: yes.
Comment: ACMG classification criteria: PVS1 very strong, PM2 supporting